The following is an entry in ClinVar:

ClinVar aggregate classification (germline): Uncertain significance (1 of 4 stars; one submission).

Conditions:
Hereditary cancer-predisposing syndrome. Also called: Neoplastic Syndromes, Hereditary; Tumor predisposition; Hereditary Cancer Syndrome; Hereditary neoplastic syndrome. Identifiers: Orphanet 140162, MedGen C0027672, MeSH D009386, MONDO:0015356.

Submission:

Ambry Genetics
Classification: Uncertain significance for Hereditary cancer-predisposing syndrome. Last evaluated: 2024-09-20. Review status: criteria provided, single submitter. Criteria: Ambry Variant Classification Scheme 2023. Collection method: clinical testing. Allele origin: germline.
Comment: The p.P641L variant (also known as c.1922C>T), located in coding exon 19 of the RB1 gene, results from a C to T substitution at nucleotide position 1922. The proline at codon 641 is replaced by leucine, an amino acid with similar properties. This amino acid position is not well conserved in available vertebrate species. In addition, this alteration is predicted to be tolerated by in silico analysis. Based on the available evidence, the clinical significance of this variant remains unclear.

NM_000321.3(RB1):c.1922C>T (p.Pro641Leu)

Gene: RB1 (RB transcriptional corepressor 1; plus strand). Cytogenetic location: 13q14.2.
Variant type: single nucleotide variant.
Coding change: c.1922C>T on transcript NM_000321.3 (MANE Select); coding-DNA position 1922, C replaced by T.
Protein change: p.Pro641Leu; replaces proline 641 with leucine.
Molecular consequence: missense variant.
Genome position (GRCh38, 1-based): chr13:48,456,311, C>T. VCF-style: chr13-48456311-C-T. GRCh37 (hg19) VCF-style: chr13-49030447-C-T.
Other names: c.1922C>T, p.Pro641Leu (NM_001407165.1); short protein forms P641L.
Identifiers: ClinVar variation 3430890 (VCV003430890.1).
Genomic context (GRCh38, chr13:48,456,311, plus strand): 5'-GTGTAAATTCTACTGCAAATGCAGAGACACAAGCAACCTCAGCCTTCCAGACCCAGAAGC[C>T]ATTGAAATCTACCTCTCTTTCACTGTTTTATAAAAAAGGTTAGTAGATGATTATTTTCAA-3'
Protein context (NP_000312.2, residues 631-651): QATSAFQTQK[Pro641Leu]LKSTSLSLFY